The following is an entry in ClinVar:

ClinVar aggregate classification (germline): Uncertain significance (1 of 4 stars; one submission).

Submission:

Dasa
Classification: Uncertain significance. Last evaluated: 2025-06-18. Review status: criteria provided, single submitter. Criteria: DASA Assertion Criteria. Collection method: clinical testing. Allele origin: germline.
Comment: NM_021096.4(CACNA1I):c.5939C>T (p.Thr1980Ile) is a missense variant that results in the substitution of threonine with isoleucine. This variant is absent from population databases. Computational prediction algorithms are consistent with a benign effect. The currently available literature and clinical evidence are not sufficient to establish a definitive association between this variant and the reported condition. Therefore, this variant is classified as a variant of uncertain significance.

NM_021096.4(CACNA1I):c.5939C>T (p.Thr1980Ile)

Gene: CACNA1I (calcium voltage-gated channel subunit alpha1 I; plus strand). Cytogenetic location: 22q13.1.
Variant type: single nucleotide variant.
Coding change: c.5939C>T on transcript NM_021096.4 (MANE Select); coding-DNA position 5939, C replaced by T.
Protein change: p.Thr1980Ile; replaces threonine 1980 with isoleucine.
Molecular consequence: missense variant.
Genome position (GRCh38, 1-based): chr22:39,684,410, C>T. VCF-style: chr22-39684410-C-T. GRCh37 (hg19) VCF-style: chr22-40080415-C-T.
Other names: c.5834C>T, p.Thr1945Ile (NM_001003406.2); short protein forms T1945I, T1980I.
Identifiers: ClinVar variation 4883767 (VCV004883767.2).